The following is an entry in ClinVar:

NM_000059.4(BRCA2):c.8305G>C (p.Glu2769Gln)

Gene: BRCA2 (BRCA2 DNA repair associated; plus strand). Cytogenetic location: 13q13.1.
Variant type: single nucleotide variant.
Coding change: c.8305G>C on transcript NM_000059.4 (MANE Select); coding-DNA position 8305, G replaced by C.
Protein change: p.Glu2769Gln; replaces glutamic acid 2769 with glutamine.
Molecular consequence: missense variant.
Genome position (GRCh38, 1-based): chr13:32,363,507, G>C. VCF-style: chr13-32363507-G-C. GRCh37 (hg19) VCF-style: chr13-32937644-G-C.
Other names: short protein forms E2769Q.
Identifiers: ClinVar variation 419918 (VCV000419918.15), dbSNP rs1064794185, ClinGen allele CA16619778.
Genomic context (GRCh38, chr13:32,363,507, plus strand): 5'-CAGAAGATTATTCTTCATGGAGCAGAACTGGTGGGCTCTCCTGATGCCTGTACACCTCTT[G>C]AAGCCCCAGAATCTCTTATGTTAAAGGTAAATTAATTTGCACTCTTGGTAAAAATCAGTC-3'
Protein context (NP_000050.3, residues 2759-2779): VGSPDACTPL[Glu2769Gln]APESLMLKIS

ClinVar aggregate classification (germline): Conflicting classifications of pathogenicity. Review status: criteria provided, conflicting classifications (1 of 4 stars). 4 submissions from 4 submitters: Uncertain significance (3); Likely benign (1). Last evaluated 2025-02-03.

Conditions:
Hereditary cancer-predisposing syndrome. Also called: Hereditary neoplastic syndrome; Hereditary Cancer Syndrome; Neoplastic Syndromes, Hereditary; Tumor predisposition. Identifiers: Orphanet 140162, MedGen C0027672, MeSH D009386, MONDO:0015356.
Breast-ovarian cancer, familial, susceptibility to, 2 (BROVCA2). Also called: BRCA2 Hereditary Breast and Ovarian Cancer. Identifiers: Orphanet 145, MedGen C2675520, MONDO:0012933, OMIM 612555. Disease mechanism: loss of function.
Hereditary breast ovarian cancer syndrome. Also called: Hereditary breast and ovarian cancer syndrome; BRCA1- and BRCA2-Associated Hereditary Breast and Ovarian Cancer; Hereditary breast and/or ovarian cancer syndrome; Hereditary breast and ovarian cancer; Breast and ovarian cancer; Hereditary breast and ovarian cancer syndrome (HBOC). Identifiers: Orphanet 145, MedGen C0677776, MeSH D061325, MONDO:0003582. Disease mechanism: loss of function.

Allele frequency attached by ClinVar (database versions not stated): gnomAD exomes below 0.00001; TOPMed below 0.00001.
gnomAD v4.1: 1 of 1,613,868 alleles (0.000062%); highest among the groups gnomAD compares: Non-Finnish European, 0.000085%; no homozygotes.

Submissions (4):

Labcorp Genetics (formerly Invitae), Labcorp
Classification: Uncertain significance for Hereditary breast ovarian cancer syndrome. Last evaluated: 2025-02-03. Review status: criteria provided, single submitter. Criteria: Invitae Variant Classification Sherloc (09022015). Collection method: clinical testing. Allele origin: germline.
Comment: This sequence change replaces glutamic acid, which is acidic and polar, with glutamine, which is neutral and polar, at codon 2769 of the BRCA2 protein (p.Glu2769Gln). This variant is not present in population databases (gnomAD no frequency). This variant has not been reported in the literature in individuals affected with BRCA2-related conditions. ClinVar contains an entry for this variant (Variation ID: 419918). Invitae Evidence Modeling of protein sequence and biophysical properties (such as structural, functional, and spatial information, amino acid conservation, physicochemical variation, residue mobility, and thermodynamic stability) has been performed for this missense variant. However, the output from this modeling did not meet the statistical confidence thresholds required to predict the impact of this variant on BRCA2 protein function. In summary, the available evidence is currently insufficient to determine the role of this variant in disease. Therefore, it has been classified as a Variant of Uncertain Significance.

All of Us Research Program, National Institutes of Health
Classification: Uncertain significance for Breast-ovarian cancer, familial, susceptibility to, 2. Last evaluated: 2023-08-15. Review status: criteria provided, single submitter. Criteria: ACMG Guidelines, 2015. Collection method: clinical testing. Allele origin: germline. Inheritance: Autosomal dominant inheritance. Observed: 1 variant allele, 1 heterozygote.
Comment: This study involves interpretation of variants in research participants for the purpose of population health screening. Participant phenotype was not available at the time of variant classification. Additional details can be found in publication PMID: 35346344, PMCID: PMC8962531

Ambry Genetics
Classification: Likely benign for Hereditary cancer-predisposing syndrome. Last evaluated: 2022-01-09. Review status: criteria provided, single submitter. Criteria: Ambry Variant Classification Scheme 2023. Collection method: clinical testing. Allele origin: germline.

GeneDx
Classification: Uncertain significance. Last evaluated: 2018-03-26. Review status: criteria provided, single submitter. Criteria: GeneDx Variant Classification (06012015). Collection method: clinical testing. Allele origin: germline. Affected: yes.
Comment: This variant is denoted BRCA2 c.8305G>C at the cDNA level, p.Glu2769Gln (E2769Q) at the protein level, and results in the change of a Glutamic Acid to a Glutamine (GAA>CAA). Using alternate nomenclature, this variant would be defined as BRCA2 8533G>C. This variant has not, to our knowledge, been published in the literature as being pathogenic or benign. BRCA2 Glu2769Gln was not observed in large population cohorts (Lek 2016). This variant is located in the DNA binding domain (Yang 2002). In silico analysis, which includes protein predictors and evolutionary conservation, supports that this variant does not alter protein structure/function. Based on currently available evidence, it is unclear whether BRCA2 Glu2769Gln is a pathogenic or benign variant. We consider it to be a variant of uncertain significance.